The following is an entry in ClinVar:

ClinVar aggregate classification (germline): Uncertain significance (1 of 4 stars; one submission).

Submission:

Labcorp Genetics (formerly Invitae), Labcorp
Classification: Uncertain significance. Last evaluated: 2021-10-08. Review status: criteria provided, single submitter. Criteria: Invitae Variant Classification Sherloc (09022015). Collection method: clinical testing. Allele origin: germline.
Comment: This variant has not been reported in the literature in individuals affected with GPAA1-related conditions. In summary, the available evidence is currently insufficient to determine the role of this variant in disease. Therefore, it has been classified as a Variant of Uncertain Significance. Algorithms developed to predict the effect of missense changes on protein structure and function are either unavailable or do not agree on the potential impact of this missense change (SIFT: "Deleterious"; PolyPhen-2: "Probably Damaging"; Align-GVGD: "Class C0"). This variant is not present in population databases (ExAC no frequency). This sequence change replaces histidine with arginine at codon 200 of the GPAA1 protein (p.His200Arg). The histidine residue is highly conserved and there is a small physicochemical difference between histidine and arginine.

NM_003801.4(GPAA1):c.599A>G (p.His200Arg)

Gene: GPAA1 (glycosylphosphatidylinositol anchor attachment 1; plus strand). Cytogenetic location: 8q24.3.
Variant type: single nucleotide variant.
Coding change: c.599A>G on transcript NM_003801.4 (MANE Select); coding-DNA position 599, A replaced by G.
Protein change: p.His200Arg; replaces histidine 200 with arginine.
Molecular consequence: missense variant.
Genome position (GRCh38, 1-based): chr8:144,084,023, A>G. VCF-style: chr8-144084023-A-G. GRCh37 (hg19) VCF-style: chr8-145138926-A-G.
Other names: short protein forms H200R.
Identifiers: ClinVar variation 1485216 (VCV001485216.6), dbSNP rs2129941807, ClinGen allele CA372599837.